The following is an entry in ClinVar:

NM_000548.5(TSC2):c.2409G>A (p.Gln803=)

Gene: TSC2 (TSC complex subunit 2; plus strand). Cytogenetic location: 16p13.3.
Variant type: single nucleotide variant.
Coding change: c.2409G>A on transcript NM_000548.5 (MANE Select); coding-DNA position 2409, G replaced by A.
Protein change: p.Gln803=; no amino-acid change (glutamine 803 retained).
Molecular consequence: synonymous variant. On other transcripts: non-coding transcript variant (5).
Genome position (GRCh38, 1-based): chr16:2,074,253, G>A. VCF-style: chr16-2074253-G-A. GRCh37 (hg19) VCF-style: chr16-2124254-G-A.
Other names: c.2262G>A, p.Gln754= (NM_001318829.2, NM_001406675.1, NM_001406676.1 and 1 more transcripts); c.1809G>A, p.Gln603= (NM_001318831.2, NM_001406680.1, NM_001406682.1 and 6 more transcripts); c.2442G>A, p.Gln814= (NM_001318832.2); c.2409G>A, p.Gln803= (NM_001363528.2, NM_001370404.1, NM_001370405.1 and 6 more transcripts); c.2499G>A, p.Gln833= (NM_001406667.1, NM_001406668.1); c.2298G>A, p.Gln766= (NM_001406670.1, NM_001406678.1, NM_001318827.2); c.2397G>A, p.Gln799= (NM_001406671.1, NM_001406673.1); c.2352G>A, p.Gln784= (NM_001406677.1); and 3 more.
Identifiers: ClinVar variation 2793589 (VCV002793589.4), dbSNP rs1400548727, ClinGen allele CA492953054.

ClinVar aggregate classification (germline): Conflicting classifications of pathogenicity. Review status: criteria provided, conflicting classifications (1 of 4 stars). 2 submissions from 2 submitters: Uncertain significance (1); Benign (1). Last evaluated 2025-01-16.

Conditions:
Hereditary cancer-predisposing syndrome. Also called: Hereditary neoplastic syndrome; Neoplastic Syndromes, Hereditary; Tumor predisposition; Hereditary Cancer Syndrome. Identifiers: Orphanet 140162, MedGen C0027672, MeSH D009386, MONDO:0015356.
Tuberous sclerosis 2 (TSC2). Identifiers: Orphanet 805, MedGen C1860707, MONDO:0013199, OMIM 613254.

gnomAD v4.1: 1 of 1,612,828 alleles (0.000062%); highest among the groups gnomAD compares: East Asian, 0.0022%; no homozygotes.

Submissions (2):

Ambry Genetics
Classification: Uncertain significance for Hereditary cancer-predisposing syndrome. Last evaluated: 2025-01-16. Review status: criteria provided, single submitter. Criteria: Ambry Variant Classification Scheme 2023. Collection method: clinical testing. Allele origin: germline.
Comment: The c.2409G>A variant (also known as p.Q803Q), located in coding exon 21 of the TSC2 gene, results from a G to A substitution at nucleotide position 2409. This nucleotide substitution does not change the glutamine at codon 803. This nucleotide position is well conserved in available vertebrate species. In silico splice site analysis predicts that this alteration may result in the creation or strengthening of a novel splice acceptor site. Based on the available evidence, the clinical significance of this variant remains unclear.

Labcorp Genetics (formerly Invitae), Labcorp
Classification: Benign for Tuberous sclerosis 2. Last evaluated: 2023-11-17. Review status: criteria provided, single submitter. Criteria: Invitae Variant Classification Sherloc (09022015). Collection method: clinical testing. Allele origin: germline.